The following is an entry in ClinVar:

ClinVar aggregate classification (germline): Conflicting classifications of pathogenicity. Review status: criteria provided, conflicting classifications (1 of 4 stars). 3 submissions from 3 submitters: Uncertain significance (1); Likely benign (2). Last evaluated 2025-02-16.

Allele frequency attached by ClinVar (database versions not stated): TOPMed 0.00001; gnomAD 0.00002; gnomAD exomes 0.00002.
gnomAD v4.1: 27 of 1,613,872 alleles (0.0017%); highest among the groups gnomAD compares: South Asian, 0.0022%; no homozygotes.

Submissions (3):

Laboratory of Genetics, Children's Clinical University Hospital Latvia
Classification: Likely benign. Last evaluated: 2025-02-16. Review status: criteria provided, single submitter. Criteria: ACMG Guidelines, 2015. Collection method: clinical testing. Allele origin: germline. Affected: yes.

Labcorp Genetics (formerly Invitae), Labcorp
Classification: Uncertain significance. Last evaluated: 2024-08-28. Review status: criteria provided, single submitter. Criteria: Invitae Variant Classification Sherloc (09022015). Collection method: clinical testing. Allele origin: germline.
Comment: This sequence change replaces proline, which is neutral and non-polar, with leucine, which is neutral and non-polar, at codon 824 of the ASXL2 protein (p.Pro824Leu). The frequency data for this variant in the population databases is considered unreliable, as metrics indicate poor data quality at this position in the gnomAD database. This variant has not been reported in the literature in individuals affected with ASXL2-related conditions. Invitae Evidence Modeling of protein sequence and biophysical properties (such as structural, functional, and spatial information, amino acid conservation, physicochemical variation, residue mobility, and thermodynamic stability) indicates that this missense variant is not expected to disrupt ASXL2 protein function with a negative predictive value of 80%. In summary, the available evidence is currently insufficient to determine the role of this variant in disease. Therefore, it has been classified as a Variant of Uncertain Significance.

CeGaT Center for Human Genetics Tuebingen
Classification: Likely benign. Last evaluated: 2024-03-01. Review status: criteria provided, single submitter. Criteria: CeGaT Center For Human Genetics Tuebingen Variant Classification Criteria Version 2. Collection method: clinical testing. Allele origin: germline. Affected: yes. Observed: 1 variant allele.
Comment: ASXL2: BP4

NM_018263.6(ASXL2):c.2471C>T (p.Pro824Leu)

Gene: ASXL2 (ASXL transcriptional regulator 2; minus strand). Cytogenetic location: 2p23.3.
Variant type: single nucleotide variant.
Coding change: c.2471C>T on transcript NM_018263.6 (MANE Select); coding-DNA position 2471, C replaced by T.
Protein change: p.Pro824Leu; replaces proline 824 with leucine.
Molecular consequence: missense variant.
Genome position (GRCh38, 1-based): chr2:25,743,866, G>A on the plus strand (C>T on the coding strand, the complement: ASXL2 is on the minus strand). VCF-style: chr2-25743866-G-A. GRCh37 (hg19) VCF-style: chr2-25966735-G-A.
Other names: c.2297C>T, p.Pro766Leu (NM_001369346.1); c.1691C>T, p.Pro564Leu (NM_001369347.1); short protein forms P564L, P766L, P824L.
Identifiers: ClinVar variation 3002582 (VCV003002582.24), dbSNP rs1261543038, ClinGen allele CA346080955.